The following is an entry in ClinVar:

ClinVar aggregate classification (germline): Uncertain significance (1 of 4 stars; one submission).

Conditions:
Joubert syndrome. Also called: CEREBELLOPARENCHYMAL DISORDER IV; JOUBERT-BOLTSHAUSER SYNDROME; Familial aplasia of the vermis. Identifiers: Orphanet 475, MedGen C5979921, MONDO:0018772.
Meckel-Gruber syndrome. Also called: DYSENCEPHALIA SPLANCHNOCYSTICA; GRUBER SYNDROME; Dysencephalia splachnocystica. Identifiers: Orphanet 564, MedGen C0265215, MONDO:0018921.

Submission:

Labcorp Genetics (formerly Invitae), Labcorp
Classification: Uncertain significance for Joubert syndrome; Meckel-Gruber syndrome. Last evaluated: 2022-01-03. Review status: criteria provided, single submitter. Criteria: Invitae Variant Classification Sherloc (09022015). Collection method: clinical testing. Allele origin: germline.
Comment: Algorithms developed to predict the effect of missense changes on protein structure and function (SIFT, PolyPhen-2, Align-GVGD) all suggest that this variant is likely to be disruptive. In summary, the available evidence is currently insufficient to determine the role of this variant in disease. Therefore, it has been classified as a Variant of Uncertain Significance. This variant has not been reported in the literature in individuals affected with TCTN1-related conditions. This variant is not present in population databases (gnomAD no frequency). This sequence change replaces alanine, which is neutral and non-polar, with threonine, which is neutral and polar, at codon 569 of the TCTN1 protein (p.Ala569Thr).

NM_001082538.3(TCTN1):c.1705G>A (p.Ala569Thr)

Gene: TCTN1 (tectonic family member 1; plus strand). Cytogenetic location: 12q24.11.
Variant type: single nucleotide variant.
Coding change: c.1705G>A on transcript NM_001082538.3 (MANE Select); coding-DNA position 1705, G replaced by A.
Protein change: p.Ala569Thr; replaces alanine 569 with threonine.
Molecular consequence: missense variant. On other transcripts: non-coding transcript variant (1).
Genome position (GRCh38, 1-based): chr12:110,647,818, G>A. VCF-style: chr12-110647818-G-A. GRCh37 (hg19) VCF-style: chr12-111085623-G-A.
Other names: c.1690G>A, p.Ala564Thr (NM_001082537.3); c.1522G>A, p.Ala508Thr (NM_001173975.3); c.1378G>A, p.Ala460Thr (NM_001173976.2); c.1543G>A, p.Ala515Thr (NM_001319680.2); c.1156G>A, p.Ala386Thr (NM_001319681.2); c.1648G>A, p.Ala550Thr (NM_024549.6); short protein forms A564T, A460T, A550T, A569T, A508T, A515T, A386T.
Identifiers: ClinVar variation 2071230 (VCV002071230.4), dbSNP rs2548951002, ClinGen allele CA386695929.